The following is an entry in ClinVar:

NM_024577.4(SH3TC2):c.2083C>T (p.Gln695Ter)

Gene: SH3TC2 (SH3 domain and tetratricopeptide repeats 2; minus strand). Cytogenetic location: 5q32.
Variant type: single nucleotide variant.
Coding change: c.2083C>T on transcript NM_024577.4 (MANE Select); coding-DNA position 2083, C replaced by T.
Protein change: p.Gln695Ter; replaces glutamine 695 with a stop codon.
Molecular consequence: nonsense.
Genome position (GRCh38, 1-based): chr5:149,027,649, G>A on the plus strand (C>T on the coding strand, the complement: SH3TC2 is on the minus strand). VCF-style: chr5-149027649-G-A. GRCh37 (hg19) VCF-style: chr5-148407212-G-A.
Other names: short protein forms Q695*.
Identifiers: ClinVar variation 1453733 (VCV001453733.6), dbSNP rs770170997, ClinGen allele CA361667117.

ClinVar aggregate classification (germline): Pathogenic (1 of 4 stars; one submission).

Conditions:
Charcot-Marie-Tooth disease type 4. Also called: Charcot-Marie-Tooth disease, type IV; Charcot-Marie-Tooth, Type 4. Identifiers: Orphanet 64749, MedGen C4082197, MONDO:0018995.

Submission:

Labcorp Genetics (formerly Invitae), Labcorp
Classification: Pathogenic for Charcot-Marie-Tooth disease type 4. Last evaluated: 2024-10-15. Review status: criteria provided, single submitter. Criteria: Invitae Variant Classification Sherloc (09022015). Collection method: clinical testing. Allele origin: germline.
Comment: This sequence change creates a premature translational stop signal (p.Gln695*) in the SH3TC2 gene. It is expected to result in an absent or disrupted protein product. Loss-of-function variants in SH3TC2 are known to be pathogenic (PMID: 20220177, 27068304). This variant is not present in population databases (gnomAD no frequency). This variant has not been reported in the literature in individuals affected with SH3TC2-related conditions. ClinVar contains an entry for this variant (Variation ID: 1453733). For these reasons, this variant has been classified as Pathogenic.

Literature cited by the submitters: PubMed 20220177; PubMed 27068304.